The following is an entry in ClinVar:

NM_000520.6(HEXA):c.44C>T (p.Ala15Val)

Gene: HEXA (hexosaminidase subunit alpha; minus strand). Cytogenetic location: 15q23.
Variant type: single nucleotide variant.
Coding change: c.44C>T on transcript NM_000520.6 (MANE Select); coding-DNA position 44, C replaced by T.
Protein change: p.Ala15Val; replaces alanine 15 with valine.
Molecular consequence: missense variant. On other transcripts: non-coding transcript variant (1).
Genome position (GRCh38, 1-based): chr15:72,375,929, G>A on the plus strand (C>T on the coding strand, the complement: HEXA is on the minus strand). VCF-style: chr15-72375929-G-A. GRCh37 (hg19) VCF-style: chr15-72668270-G-A.
Other names: c.44C>T, p.Ala15Val (NM_001318825.2); short protein forms A15V.
Identifiers: ClinVar variation 2054352 (VCV002054352.4), dbSNP rs2542582575, ClinGen allele CA393070754.

ClinVar aggregate classification (germline): Uncertain significance (1 of 4 stars; one submission).

Conditions:
Tay-Sachs disease (TSD). Also called: HEXA DEFICIENCY; GM2 gangliosidosis, type 1; Hexosaminidase alpha-subunit deficiency (variant B); Sphingolipidosis, Tay-Sachs; Hexosaminidase A Deficiency; HEXA Disorders. Identifiers: Orphanet 845, MedGen C0039373, MONDO:0010100, OMIM 272800.

Submission:

Labcorp Genetics (formerly Invitae), Labcorp
Classification: Uncertain significance for Tay-Sachs disease. Last evaluated: 2022-04-11. Review status: criteria provided, single submitter. Criteria: Invitae Variant Classification Sherloc (09022015). Collection method: clinical testing. Allele origin: germline.
Comment: This sequence change replaces alanine, which is neutral and non-polar, with valine, which is neutral and non-polar, at codon 15 of the HEXA protein (p.Ala15Val). This variant is not present in population databases (gnomAD no frequency). In summary, the available evidence is currently insufficient to determine the role of this variant in disease. Therefore, it has been classified as a Variant of Uncertain Significance. Algorithms developed to predict the effect of missense changes on protein structure and function are either unavailable or do not agree on the potential impact of this missense change (SIFT: "Tolerated"; PolyPhen-2: "Not Available"; Align-GVGD: "Class C0"). This variant has not been reported in the literature in individuals affected with HEXA-related conditions.